The following is an entry in ClinVar:

ClinVar aggregate classification (germline): Uncertain significance (1 of 4 stars; one submission).

Allele frequency attached by ClinVar (database versions not stated): gnomAD 0.00001; gnomAD exomes 0.00001; TOPMed 0.00001.
gnomAD v4.1: 5 of 1,582,700 alleles (0.00032%); highest among the groups gnomAD compares: Middle Eastern, 0.017%; no homozygotes.

Submission:

Labcorp Genetics (formerly Invitae), Labcorp
Classification: Uncertain significance. Last evaluated: 2022-08-17. Review status: criteria provided, single submitter. Criteria: Invitae Variant Classification Sherloc (09022015). Collection method: clinical testing. Allele origin: germline.
Comment: The frequency data for this variant in the population databases is considered unreliable, as metrics indicate poor data quality at this position in the gnomAD database. This sequence change affects codon 44 of the PPP1R12A mRNA. It is a 'silent' change, meaning that it does not change the encoded amino acid sequence of the PPP1R12A protein. This variant has not been reported in the literature in individuals affected with PPP1R12A-related conditions. In summary, the available evidence is currently insufficient to determine the role of this variant in disease. Therefore, it has been classified as a Variant of Uncertain Significance.

NM_002480.3(PPP1R12A):c.132C>T (p.Phe44=)

Genes: PPP1R12A (protein phosphatase 1 regulatory subunit 12A; minus strand), LOC112163633 (Sharpr-MPRA regulatory region 5962; plus strand). Cytogenetic location: 12q21.31.
Variant type: single nucleotide variant.
Coding change: c.132C>T on transcript NM_002480.3 (MANE Select); coding-DNA position 132, C replaced by T.
Protein change: p.Phe44=; no amino-acid change (phenylalanine 44 retained).
Molecular consequence: synonymous variant.
Genome position (GRCh38, 1-based): chr12:79,934,800, G>A on the plus strand (C>T on the coding strand, the complement: PPP1R12A is on the minus strand). VCF-style: chr12-79934800-G-A. GRCh37 (hg19) VCF-style: chr12-80328580-G-A.
Other names: c.132C>T, p.Phe44= (NM_001143885.2, NM_001244990.2, NM_001244992.1).
Identifiers: ClinVar variation 2201002 (VCV002201002.4), dbSNP rs746387765, ClinGen allele CA6699970.